The following is an entry in ClinVar:

ClinVar aggregate classification (germline): Uncertain significance (1 of 4 stars; one submission).

Conditions:
Hypertrophic cardiomyopathy. Also called: HYPERTROPHIC MYOCARDIOPATHY. Identifiers: Orphanet 217569, MedGen C0007194, MeSH D002312, MONDO:0005045, HP:0001639.

Submission:

Labcorp Genetics (formerly Invitae), Labcorp
Classification: Uncertain significance for Hypertrophic cardiomyopathy. Last evaluated: 2024-02-24. Review status: criteria provided, single submitter. Criteria: Invitae Variant Classification Sherloc (09022015). Collection method: clinical testing. Allele origin: germline.
Comment: This sequence change replaces serine, which is neutral and polar, with phenylalanine, which is neutral and non-polar, at codon 1177 of the MYOM1 protein (p.Ser1177Phe). This variant is not present in population databases (gnomAD no frequency). This variant has not been reported in the literature in individuals affected with MYOM1-related conditions. ClinVar contains an entry for this variant (Variation ID: 665310). Advanced modeling of protein sequence and biophysical properties (such as structural, functional, and spatial information, amino acid conservation, physicochemical variation, residue mobility, and thermodynamic stability) performed at Invitae indicates that this missense variant is not expected to disrupt MYOM1 protein function with a negative predictive value of 80%. In summary, the available evidence is currently insufficient to determine the role of this variant in disease. Therefore, it has been classified as a Variant of Uncertain Significance.

NM_003803.4(MYOM1):c.3530C>T (p.Ser1177Phe)

Gene: MYOM1 (myomesin 1; minus strand). Cytogenetic location: 18p11.31.
Variant type: single nucleotide variant.
Coding change: c.3530C>T on transcript NM_003803.4 (MANE Select); coding-DNA position 3530, C replaced by T.
Protein change: p.Ser1177Phe; replaces serine 1177 with phenylalanine.
Molecular consequence: missense variant.
Genome position (GRCh38, 1-based): chr18:3,102,519, G>A on the plus strand (C>T on the coding strand, the complement: MYOM1 is on the minus strand). VCF-style: chr18-3102519-G-A. GRCh37 (hg19) VCF-style: chr18-3102517-G-A.
Other names: c.3242C>T, p.Ser1081Phe (NM_019856.2); short protein forms S1081F, S1177F.
Identifiers: ClinVar variation 665310 (VCV000665310.8), dbSNP rs1598671752, ClinGen allele CA401703247.